The following is an entry in ClinVar:

ClinVar aggregate classification (germline): Pathogenic/Likely pathogenic. Review status: criteria provided, multiple submitters, no conflicts (2 of 4 stars). 2 submissions from 2 submitters: Pathogenic (1); Likely pathogenic (1). Last evaluated 2018-12-21.

Conditions:
Maturity-onset diabetes of the young (MODY). Also called: Maturity onset diabetes mellitus in young. Identifiers: Orphanet 552, MedGen C0342276, MONDO:0018911, HP:0004904.

Submissions (2):

Athena Diagnostics
Classification: Pathogenic. Last evaluated: 2018-12-21. Review status: criteria provided, single submitter. Criteria: Athena Diagnostics Criteria. Collection method: clinical testing. Allele origin: germline.
Comment: The variant results in a shift of the reading frame, and is therefore predicted to result in the loss of a functional protein. Found in at least one symptomatic patient, and not found in general population data.

Clinical Genomics, Uppaluri K&H Personalized Medicine Clinic
Classification: Likely pathogenic for Maturity-onset diabetes of the young. Review status: criteria provided, single submitter. Criteria: K & H Uppaluri Personalized Medicine Clinic Variant Classification & Assertion Criteria_Updated V.1. Collection method: research. Allele origin: unknown. Inheritance: Autosomal dominant inheritance.
Comment: Mutations in HNF1A gene can predispose to MODY3. It is associated with both micro and macrovascular complications of diabetes, especially cardiovascular complications. Associated with glucosuria. May respond well to sulfonylureas. However, more evidence is required to confer the association of this particular variant rs1593060912 with MODY3.

Literature cited by the submitters: PubMed 31517624 (cited by Clinical Genomics, Uppaluri K&H Personalized Medicine Clinic); PubMed 32395877 (cited by Clinical Genomics, Uppaluri K&H Personalized Medicine Clinic); PubMed 35328643 (cited by Clinical Genomics, Uppaluri K&H Personalized Medicine Clinic); PubMed 35673428 (cited by Clinical Genomics, Uppaluri K&H Personalized Medicine Clinic).

NM_000545.8(HNF1A):c.1140dup (p.Ser381fs)

Gene: HNF1A (HNF1 homeobox A; plus strand). Cytogenetic location: 12q24.31.
Variant type: Duplication.
Coding change: c.1140dup on transcript NM_000545.8 (MANE Select); coding-DNA position 1140, one base duplicated (C; older notation c.1140dupC).
Protein change: p.Ser381fs; shifts the reading frame from serine 381.
Molecular consequence: frameshift variant.
Genome position (GRCh38, 1-based): chr12:120,996,573, C duplicated. VCF-style (leftmost placement, unchanged base first): chr12-120996572-T-TC. GRCh37 (hg19) VCF-style: chr12-121434375-T-TC.
Other names: c.1140dup, p.Ser381fs (NM_001306179.2); short protein forms S381fs.
Identifiers: ClinVar variation 805628 (VCV000805628.2), dbSNP rs1593060912, ClinGen allele CA915946725.